The following is an entry in ClinVar:

ClinVar aggregate classification (germline): Uncertain significance (1 of 4 stars; one submission).

Allele frequency attached by ClinVar (database versions not stated): ExAC 0.00002; gnomAD 0.00002; gnomAD exomes 0.00002; TOPMed 0.00002.
gnomAD v4.1: 27 of 1,613,778 alleles (0.0017%); highest among the groups gnomAD compares: Middle Eastern, 0.016%; no homozygotes.

Submission:

Labcorp Genetics (formerly Invitae), Labcorp
Classification: Uncertain significance. Last evaluated: 2022-01-07. Review status: criteria provided, single submitter. Criteria: Invitae Variant Classification Sherloc (09022015). Collection method: clinical testing. Allele origin: germline.
Comment: Algorithms developed to predict the effect of missense changes on protein structure and function are either unavailable or do not agree on the potential impact of this missense change (SIFT: "Not Available"; PolyPhen-2: "Benign"; Align-GVGD: "Not Available"). This variant has not been reported in the literature in individuals affected with PIAS1-related conditions. The frequency data for this variant in the population databases is considered unreliable, as metrics indicate poor data quality at this position in the gnomAD database. This sequence change replaces threonine, which is neutral and polar, with methionine, which is neutral and non-polar, at codon 635 of the PIAS1 protein (p.Thr635Met). In summary, the available evidence is currently insufficient to determine the role of this variant in disease. Therefore, it has been classified as a Variant of Uncertain Significance.

NM_016166.3(PIAS1):c.1904C>T (p.Thr635Met)

Gene: PIAS1 (protein inhibitor of activated STAT 1; plus strand). Cytogenetic location: 15q23.
Variant type: single nucleotide variant.
Coding change: c.1904C>T on transcript NM_016166.3 (MANE Select); coding-DNA position 1904, C replaced by T.
Protein change: p.Thr635Met; replaces threonine 635 with methionine.
Molecular consequence: missense variant.
Genome position (GRCh38, 1-based): chr15:68,187,783, C>T. VCF-style: chr15-68187783-C-T. GRCh37 (hg19) VCF-style: chr15-68480121-C-T.
Other names: c.1910C>T, p.Thr637Met (NM_001320687.1); short protein forms T635M, T637M.
Identifiers: ClinVar variation 2175828 (VCV002175828.4), dbSNP rs749073506, ClinGen allele CA7630131.